The following is an entry in ClinVar:

ClinVar aggregate classification (germline): Uncertain significance (1 of 4 stars; one submission).

Allele frequency attached by ClinVar (database versions not stated): gnomAD 0.00002; TOPMed 0.00002; ExAC 0.00003; ESP Exome Variant Server 0.00008; gnomAD exomes 0.00003.
gnomAD v4.1: 53 of 1,614,028 alleles (0.0033%); highest among the groups gnomAD compares: East Asian, 0.018%; no homozygotes.

Submission:

Labcorp Genetics (formerly Invitae), Labcorp
Classification: Uncertain significance. Last evaluated: 2024-07-19. Review status: criteria provided, single submitter. Criteria: Invitae Variant Classification Sherloc (09022015). Collection method: clinical testing. Allele origin: germline.
Comment: This sequence change replaces valine, which is neutral and non-polar, with isoleucine, which is neutral and non-polar, at codon 546 of the ADGRE2 protein (p.Val546Ile). This variant is present in population databases (rs377330707, gnomAD 0.02%). This variant has not been reported in the literature in individuals affected with ADGRE2-related conditions. ClinVar contains an entry for this variant (Variation ID: 2053529). An algorithm developed to predict the effect of missense changes on protein structure and function (PolyPhen-2) suggests that this variant is likely to be tolerated. In summary, the available evidence is currently insufficient to determine the role of this variant in disease. Therefore, it has been classified as a Variant of Uncertain Significance.

NM_013447.4(ADGRE2):c.1636G>A (p.Val546Ile)

Gene: ADGRE2 (adhesion G protein-coupled receptor E2; minus strand). Cytogenetic location: 19p13.12.
Variant type: single nucleotide variant.
Coding change: c.1636G>A on transcript NM_013447.4 (MANE Select); coding-DNA position 1636, G replaced by A.
Protein change: p.Val546Ile; replaces valine 546 with isoleucine.
Molecular consequence: missense variant.
Genome position (GRCh38, 1-based): chr19:14,752,481, C>T on the plus strand (G>A on the coding strand, the complement: ADGRE2 is on the minus strand). VCF-style: chr19-14752481-C-T. GRCh37 (hg19) VCF-style: chr19-14863293-C-T.
Other names: c.1462G>A, p.Val488Ile (NM_001271052.1); c.1489G>A, p.Val497Ile (NM_152916.2); c.1357G>A, p.Val453Ile (NM_152917.2); short protein forms V453I, V497I, V488I, V546I.
Identifiers: ClinVar variation 2053529 (VCV002053529.4), dbSNP rs377330707, ClinGen allele CA9257649.